The following is an entry in ClinVar:

ClinVar aggregate classification (germline): Benign. Review status: criteria provided, multiple submitters, no conflicts (2 of 4 stars). 6 submissions from 6 submitters: Benign (5). 1 of the submissions does not count toward it. Last evaluated 2026-01-25.

Conditions:
Emery-Dreifuss muscular dystrophy 5, autosomal dominant (EDMD5). Also called: EMERY-DREIFUSS MUSCULAR DYSTROPHY 5. Identifiers: Orphanet 261, MedGen C2751805, MONDO:0013072, OMIM 612999.

Allele frequency attached by ClinVar (database versions not stated): gnomAD 0.00029 and 0.00107; TOPMed 0.00035; gnomAD exomes 0.00192 and 0.00223; ExAC 0.00276; 1000 Genomes Project 30x 0.00718; 1000 Genomes Project 0.00799.
gnomAD v4.1: 2,998 of 1,614,188 alleles (0.19%); highest among the groups gnomAD compares: East Asian, 3.5%; 65 homozygotes.

Submissions (6):

Labcorp Genetics (formerly Invitae), Labcorp
Classification: Benign for Emery-Dreifuss muscular dystrophy 5, autosomal dominant. Last evaluated: 2026-01-25. Review status: criteria provided, single submitter. Criteria: Invitae Variant Classification Sherloc (09022015). Collection method: clinical testing. Allele origin: germline.

Athena Diagnostics
Classification: Benign. Last evaluated: 2024-10-29. Review status: criteria provided, single submitter. Criteria: Athena Diagnostics Criteria. Collection method: clinical testing. Allele origin: unknown.

CeGaT Center for Human Genetics Tuebingen
Classification: Benign. Last evaluated: 2023-01-01. Review status: criteria provided, single submitter. Criteria: CeGaT Center For Human Genetics Tuebingen Variant Classification Criteria Version 2. Collection method: clinical testing. Allele origin: germline. Affected: yes. Observed: 1 variant allele.
Comment: SYNE2: BP4, BP7, BS1, BS2

Illumina Laboratory Services, Illumina
Classification: Benign for Emery-Dreifuss muscular dystrophy 5, autosomal dominant. Last evaluated: 2018-01-13. Review status: criteria provided, single submitter. Criteria: ICSL Variant Classification Criteria 13 December 2019. Collection method: clinical testing. Allele origin: germline.
Comment: This variant was observed in the ICSL laboratory as part of a predisposition screen in an ostensibly healthy population. It had not been previously curated by ICSL or reported in the Human Gene Mutation Database (HGMD: prior to June 1st, 2018), and was therefore a candidate for classification through an automated scoring system. Utilizing variant allele frequency, disease prevalence and penetrance estimates, and inheritance mode, an automated score was calculated to assess if this variant is too frequent to cause the disease. Based on the score and internal cut-off values, a variant classified as benign is not then subjected to further curation. The score for this variant resulted in a classification of benign for this disease.

Eurofins Ntd Llc (ga)
Classification: Benign. Last evaluated: 2015-09-22. Review status: criteria provided, single submitter. Criteria: EGL Classification Definitions 2015. Collection method: clinical testing. Allele origin: germline. Observed: 1 variant allele, 1 heterozygote.

Genetic Services Laboratory, University of Chicago
Classification: Likely benign for AllHighlyPenetrant. Review status: no assertion criteria provided. Collection method: clinical testing. Allele origin: germline. Inheritance: Autosomal dominant inheritance. Not counted in ClinVar's aggregate classification.
Comment: Likely benign based on allele frequency in 1000 Genomes Project or ESP global frequency and its presence in a patient with a rare or unrelated disease phenotype. NOT Sanger confirmed.

NM_182914.3(SYNE2):c.7128A>G (p.Pro2376=)

Gene: SYNE2 (spectrin repeat containing nuclear envelope protein 2; plus strand). Cytogenetic location: 14q23.2.
Variant type: single nucleotide variant.
Coding change: c.7128A>G on transcript NM_182914.3 (MANE Select); coding-DNA position 7128, A replaced by G.
Protein change: p.Pro2376=; no amino-acid change (proline 2376 retained).
Molecular consequence: synonymous variant.
Genome position (GRCh38, 1-based): chr14:64,031,264, A>G. VCF-style: chr14-64031264-A-G. GRCh37 (hg19) VCF-style: chr14-64497982-A-G.
Other names: c.7128A>G, p.Pro2376= (NM_015180.6).
Identifiers: ClinVar variation 130510 (VCV000130510.49), dbSNP rs117423703, ClinGen allele CA155604.